The following is an entry in ClinVar:

ClinVar aggregate classification (germline): Uncertain significance (1 of 4 stars; one submission).

Conditions:
Glycogen storage disease, type VII (GSD7). Also called: MUSCLE PHOSPHOFRUCTOKINASE DEFICIENCY; PFKM DEFICIENCY; TARUI DISEASE; GSD VII. Identifiers: Orphanet 371, MedGen C0017926, MONDO:0009295, OMIM 232800.

Submission:

Labcorp Genetics (formerly Invitae), Labcorp
Classification: Uncertain significance for Glycogen storage disease, type VII. Last evaluated: 2022-03-02. Review status: criteria provided, single submitter. Criteria: Invitae Variant Classification Sherloc (09022015). Collection method: clinical testing. Allele origin: germline.
Comment: This sequence change replaces isoleucine, which is neutral and non-polar, with methionine, which is neutral and non-polar, at codon 700 of the PFKM protein (p.Ile700Met). This variant is not present in population databases (gnomAD no frequency). This variant has not been reported in the literature in individuals affected with PFKM-related conditions. Algorithms developed to predict the effect of missense changes on protein structure and function are either unavailable or do not agree on the potential impact of this missense change (SIFT: "Deleterious"; PolyPhen-2: "Possibly Damaging"; Align-GVGD: "Class C0"). In summary, the available evidence is currently insufficient to determine the role of this variant in disease. Therefore, it has been classified as a Variant of Uncertain Significance.

NM_000289.6(PFKM):c.2100C>G (p.Ile700Met)

Gene: PFKM (phosphofructokinase, muscle; plus strand). Cytogenetic location: 12q13.11.
Variant type: single nucleotide variant.
Coding change: c.2100C>G on transcript NM_000289.6 (MANE Select); coding-DNA position 2100, C replaced by G.
Protein change: p.Ile700Met; replaces isoleucine 700 with methionine.
Molecular consequence: missense variant. On other transcripts: non-coding transcript variant (6).
Genome position (GRCh38, 1-based): chr12:48,145,217, C>G. VCF-style: chr12-48145217-C-G. GRCh37 (hg19) VCF-style: chr12-48539000-C-G.
Other names: c.2313C>G, p.Ile771Met (NM_001166686.2, NM_001354737.1, NM_001354738.1 and 1 more transcripts); c.2100C>G, p.Ile700Met (NM_001166687.2, NM_001166688.2, NM_001354742.2 and 2 more transcripts); c.2409C>G, p.Ile803Met (NM_001354735.1, NM_001354736.1); c.2244C>G, p.Ile748Met (NM_001354740.1); c.2124C>G, p.Ile708Met (NM_001354741.2); c.2013C>G, p.Ile671Met (NM_001354745.2); c.1974C>G, p.Ile658Met (NM_001354746.2); c.1950C>G, p.Ile650Met (NM_001354747.2, NM_001354748.2); and 1 more; short protein forms I771M, I748M, I803M, I658M, I669M, I700M, I708M, I650M.
Identifiers: ClinVar variation 1416455 (VCV001416455.5), dbSNP rs2136051089, ClinGen allele CA384555961.